The following is an entry in ClinVar:

NM_000059.4(BRCA2):c.708T>C (p.His236=)

Gene: BRCA2 (BRCA2 DNA repair associated; plus strand). Cytogenetic location: 13q13.1.
Variant type: single nucleotide variant.
Coding change: c.708T>C on transcript NM_000059.4 (MANE Select); coding-DNA position 708, T replaced by C.
Protein change: p.His236=; no amino-acid change (histidine 236 retained).
Molecular consequence: synonymous variant.
Genome position (GRCh38, 1-based): chr13:32,330,945, T>C. VCF-style: chr13-32330945-T-C. GRCh37 (hg19) VCF-style: chr13-32905082-T-C.
Identifiers: ClinVar variation 184021 (VCV000184021.44), dbSNP rs185506536, ClinGen allele CA024855.

ClinVar aggregate classification (germline): Likely benign. Review status: reviewed by expert panel (3 of 4 stars). 18 submissions from 18 submitters: Likely benign (1). 17 of the submissions do not count toward it. Last evaluated 2017-06-29.

Conditions:
BRCA2-related disorder. Also called: BRCA2-related condition; BRCA2-related disorders. Identifiers: MedGen CN239275.
Familial colorectal cancer type X. Identifiers: Orphanet 440437, MedGen C3896578, MONDO:0018604.
Hereditary cancer-predisposing syndrome. Also called: Tumor predisposition; Neoplastic Syndromes, Hereditary; Hereditary neoplastic syndrome; Hereditary Cancer Syndrome. Identifiers: Orphanet 140162, MedGen C0027672, MeSH D009386, MONDO:0015356.
Breast and/or ovarian cancer. Identifiers: MedGen CN221562.
Hereditary breast ovarian cancer syndrome. Also called: Hereditary breast and ovarian cancer syndrome; Hereditary breast and ovarian cancer syndrome (HBOC); Hereditary breast and ovarian cancer; Breast and ovarian cancer; BRCA1- and BRCA2-Associated Hereditary Breast and Ovarian Cancer; Hereditary breast and/or ovarian cancer syndrome. Identifiers: Orphanet 145, MedGen C0677776, MeSH D061325, MONDO:0003582. Disease mechanism: loss of function.
Breast-ovarian cancer, familial, susceptibility to, 2 (BROVCA2). Also called: BRCA2 Hereditary Breast and Ovarian Cancer. Identifiers: Orphanet 145, MedGen C2675520, MONDO:0012933, OMIM 612555. Disease mechanism: loss of function.
Familial cancer of breast. Also called: BREAST CANCER, FAMILIAL; hereditary breast carcinoma; Hereditary breast cancer. Identifiers: Orphanet 227535, MedGen C0346153, MONDO:0016419, OMIM 114480. Disease mechanism: loss of function.

Allele frequency attached by ClinVar (database versions not stated): gnomAD exomes 0.00001 and 0.00002; TOPMed 0.00001; gnomAD 0.00002; ExAC 0.00004; 1000 Genomes Project 0.00060; 1000 Genomes Project 30x 0.00062.
gnomAD v4.1: 28 of 1,612,630 alleles (0.0017%); highest among the groups gnomAD compares: East Asian, 0.013%; no homozygotes.

Submissions (18):

Evidence-based Network for the Interpretation of Germline Mutant Alleles (ENIGMA)
Classification: Likely benign for Breast-ovarian cancer, familial, susceptibility to, 2. Last evaluated: 2017-06-29. Review status: reviewed by expert panel. Criteria: ENIGMA BRCA1/2 Classification Criteria (2017-06-29). Collection method: curation. Allele origin: germline.
Comment: Synonymous substitution variant, with low bioinformatic likelihood to result in a splicing aberration (Splicing prior probability 0.02).

Labcorp Genetics (formerly Invitae), Labcorp
Classification: Benign for Hereditary breast ovarian cancer syndrome. Last evaluated: 2026-02-03. Review status: criteria provided, single submitter. Criteria: Invitae Variant Classification Sherloc (09022015). Collection method: clinical testing. Allele origin: germline. Not counted in ClinVar's aggregate classification.

Quest Diagnostics Nichols Institute San Juan Capistrano
Classification: Likely benign. Last evaluated: 2025-05-08. Review status: criteria provided, single submitter. Criteria: Quest Diagnostics criteria. Collection method: clinical testing. Allele origin: unknown. Not counted in ClinVar's aggregate classification.

KCCC/NGS Laboratory, Kuwait Cancer Control Center
Classification: Benign for Familial cancer of breast. Last evaluated: 2025-02-01. Review status: criteria provided, single submitter. Criteria: ACMG Guidelines, 2015. Collection method: clinical testing. Allele origin: germline. Affected: no. Not counted in ClinVar's aggregate classification.

Department of Pathology and Laboratory Medicine, Sinai Health System
Classification: Likely benign for Familial colorectal cancer type X. Last evaluated: 2024-01-23. Review status: criteria provided, single submitter. Criteria: ACMG Guidelines, 2015. Collection method: clinical testing. Allele origin: germline. Affected: yes. Not counted in ClinVar's aggregate classification.

Blueprint Genetics
Classification: Likely benign. Last evaluated: 2023-10-18. Review status: criteria provided, single submitter. Criteria: ACMG Guidelines, 2015. Collection method: clinical testing. Allele origin: germline. Not counted in ClinVar's aggregate classification.

Sema4
Classification: Likely benign for Hereditary cancer-predisposing syndrome. Last evaluated: 2021-06-07. Review status: criteria provided, single submitter. Criteria: Sema4 Curation Guidelines. Collection method: curation. Allele origin: germline. Not counted in ClinVar's aggregate classification.

ARUP Laboratories, Molecular Genetics and Genomics, ARUP Laboratories
Classification: Likely benign. Last evaluated: 2021-05-28. Review status: criteria provided, single submitter. Criteria: ARUP Molecular Germline Variant Investigation Process 2021. Collection method: clinical testing. Allele origin: germline. Not counted in ClinVar's aggregate classification.

Women's Health and Genetics/Laboratory Corporation of America, LabCorp
Classification: Likely benign. Last evaluated: 2019-04-25. Review status: criteria provided, single submitter. Criteria: LabCorp Variant Classification Summary - May 2015. Collection method: clinical testing. Allele origin: germline. Not counted in ClinVar's aggregate classification.
Comment: Variant summary: BRCA2 c.708T>C alters a non-conserved nucleotide resulting in a synonymous change. 5/5 computational tools predict no significant impact on normal splicing. However, these predictions have yet to be confirmed by functional studies. The variant allele was found at a frequency of 2.5e-05 in 275394 control chromosomes (gnomAD and Momozawa 2018). The available data on variant occurrences in the general population are insufficient to allow any conclusion about variant significance. To our knowledge, no occurrence of c.708T>C in individuals affected with Hereditary Breast and Ovarian Cancer and no experimental evidence demonstrating its impact on protein function have been reported. Seven other submitters including one expert panel have provided clinical-significance assessments for this variant to ClinVar after 2014 without evidence for independent evaluation and classified the variant as benign (1x) / likely benign (6x). Based on the evidence outlined above, the variant was classified as likely benign.

Color Diagnostics, LLC DBA Color Health
Classification: Likely benign for Hereditary cancer-predisposing syndrome. Last evaluated: 2016-07-18. Review status: criteria provided, single submitter. Criteria: ACMG Guidelines, 2015. Collection method: clinical testing. Allele origin: germline. Not counted in ClinVar's aggregate classification.

Genetic Services Laboratory, University of Chicago
Classification: Likely benign. Last evaluated: 2016-02-25. Review status: criteria provided, single submitter. Criteria: ACMG Guidelines, 2015. Collection method: clinical testing. Allele origin: germline. Affected: no. Not counted in ClinVar's aggregate classification.

CHEO Genetics Diagnostic Laboratory, Children's Hospital of Eastern Ontario
Classification: Likely benign for Breast and/or ovarian cancer. Last evaluated: 2016-02-19. Review status: criteria provided, single submitter. Criteria: ACMG Guidelines, 2015. Collection method: clinical testing. Allele origin: germline. Study: Canadian Open Genetics Repository. Not counted in ClinVar's aggregate classification.

GeneDx
Classification: Benign. Last evaluated: 2015-04-15. Review status: criteria provided, single submitter. Criteria: GeneDx Variant Classification (06012015). Collection method: clinical testing. Allele origin: germline. Affected: yes. Not counted in ClinVar's aggregate classification.
Comment: This variant is considered likely benign or benign based on one or more of the following criteria: it is a conservative change, it occurs at a poorly conserved position in the protein, it is predicted to be benign by multiple in silico algorithms, and/or has population frequency not consistent with disease.

Ambry Genetics
Classification: Likely benign for Hereditary cancer-predisposing syndrome. Last evaluated: 2014-10-08. Review status: criteria provided, single submitter. Criteria: Ambry Variant Classification Scheme 2023. Collection method: clinical testing. Allele origin: germline. Not counted in ClinVar's aggregate classification.

PreventionGenetics, part of Exact Sciences
Classification: Likely benign for BRCA2-related condition. Last evaluated: 2023-03-21. Review status: no assertion criteria provided. Collection method: clinical testing. Allele origin: germline. Not counted in ClinVar's aggregate classification.
Comment: This variant is classified as likely benign based on ACMG/AMP sequence variant interpretation guidelines (Richards et al. 2015 PMID: 25741868, with internal and published modifications).

Foulkes Cancer Genetics LDI, Lady Davis Institute for Medical Research
Classification: Uncertain significance for Breast and/or ovarian cancer. Last evaluated: 2014-05-26. Review status: no assertion criteria provided. Collection method: clinical testing. Allele origin: germline. Study: The Canadian Open Genetics Repository (COGR). Not counted in ClinVar's aggregate classification.

Clinical Genetics DNA and cytogenetics Diagnostics Lab, Erasmus MC, Erasmus Medical Center
Classification: Likely benign. Review status: no assertion criteria provided. Collection method: clinical testing. Allele origin: germline. Affected: yes. Study: VKGL Data-share Consensus. Not counted in ClinVar's aggregate classification.

Joint Genome Diagnostic Labs from Nijmegen and Maastricht, Radboudumc and MUMC+
Classification: Likely benign. Review status: no assertion criteria provided. Collection method: clinical testing. Allele origin: germline. Affected: yes. Study: VKGL Data-share Consensus. Not counted in ClinVar's aggregate classification.

Literature cited by the submitters: PubMed 30287823 (cited by Quest Diagnostics Nichols Institute San Juan Capistrano and Department of Pathology and Laboratory Medicine, Sinai Health System); PubMed 32467295 (cited by Quest Diagnostics Nichols Institute San Juan Capistrano and Department of Pathology and Laboratory Medicine, Sinai Health System).